The following is an entry in ClinVar:

ClinVar aggregate classification (germline): Pathogenic (1 of 4 stars; one submission).

Conditions:
Hereditary cancer-predisposing syndrome. Also called: Neoplastic Syndromes, Hereditary; Tumor predisposition; Hereditary Cancer Syndrome; Hereditary neoplastic syndrome. Identifiers: Orphanet 140162, MedGen C0027672, MeSH D009386, MONDO:0015356.
Cardiovascular phenotype. Identifiers: MedGen CN230736.

Submission:

Ambry Genetics
Classification: Pathogenic for Cardiovascular phenotype; Hereditary cancer-predisposing syndrome. Last evaluated: 2022-06-27. Review status: criteria provided, single submitter. Criteria: Ambry Variant Classification Scheme 2023. Collection method: clinical testing. Allele origin: germline.
Comment: The p.L1368* pathogenic mutation (also known as c.4103T>A), located in coding exon 30 of the NF1 gene, results from a T to A substitution at nucleotide position 4103. This changes the amino acid from a leucine to a stop codon within coding exon 30. This alteration is expected to result in loss of function by premature protein truncation or nonsense-mediated mRNA decay. As such, this alteration is interpreted as a disease-causing mutation.

NM_001042492.3(NF1):c.4103T>A (p.Leu1368Ter)

Gene: NF1 (neurofibromin 1; plus strand). Cytogenetic location: 17q11.2.
Variant type: single nucleotide variant.
Coding change: c.4103T>A on transcript NM_001042492.3 (MANE Select); coding-DNA position 4103, T replaced by A.
Protein change: p.Leu1368Ter; replaces leucine 1368 with a stop codon.
Molecular consequence: nonsense.
Genome position (GRCh38, 1-based): chr17:31,249,112, T>A. VCF-style: chr17-31249112-T-A. GRCh37 (hg19) VCF-style: chr17-29576130-T-A.
Other names: c.4103T>A, p.Leu1368Ter (NM_000267.4); short protein forms L1368*.
Identifiers: ClinVar variation 1737871 (VCV001737871.2), dbSNP rs1597735265, ClinGen allele CA398995091.